The following is an entry in ClinVar:

ClinVar aggregate classification (germline): Uncertain significance (1 of 4 stars; one submission).

Allele frequency attached by ClinVar (database versions not stated): gnomAD 0.00001; TOPMed 0.00001; gnomAD exomes 0.00004.
gnomAD v4.1: 65 of 1,613,622 alleles (0.004%); highest among the groups gnomAD compares: Non-Finnish European, 0.0054%; no homozygotes.

Submission:

Labcorp Genetics (formerly Invitae), Labcorp
Classification: Uncertain significance. Last evaluated: 2021-01-13. Review status: criteria provided, single submitter. Criteria: Invitae Variant Classification Sherloc (09022015). Collection method: clinical testing. Allele origin: germline.
Comment: This sequence change affects codon 189 of the TIMM50 mRNA. It is a 'silent' change, meaning that it does not change the encoded amino acid sequence of the TIMM50 protein. It affects a nucleotide within the consensus splice site of the intron. In summary, the available evidence is currently insufficient to determine the role of this variant in disease. Therefore, it has been classified as a Variant of Uncertain Significance. Algorithms developed to predict the effect of sequence changes on RNA splicing suggest that this variant is not likely to affect RNA splicing, but this prediction has not been confirmed by published transcriptional studies. This variant has not been reported in the literature in individuals with TIMM50-related conditions. This variant is not present in population databases (ExAC no frequency).

NM_001001563.5(TIMM50):c.258T>C (p.Phe86=)

Gene: TIMM50 (translocase of inner mitochondrial membrane 50; plus strand). Cytogenetic location: 19q13.2.
Variant type: single nucleotide variant.
Coding change: c.258T>C on transcript NM_001001563.5 (MANE Select); coding-DNA position 258, T replaced by C.
Protein change: p.Phe86=; no amino-acid change (phenylalanine 86 retained).
Molecular consequence: synonymous variant. On other transcripts: 5 prime UTR variant (1).
Genome position (GRCh38, 1-based): chr19:39,482,032, T>C. VCF-style: chr19-39482032-T-C. GRCh37 (hg19) VCF-style: chr19-39972672-T-C.
Other names: c.-23T>C (NM_001329559.2).
Identifiers: ClinVar variation 1403411 (VCV001403411.8), dbSNP rs1600737047, ClinGen allele CA507429401.
Genomic context (GRCh38, chr19:39,482,032, plus strand): 5'-TGCGCTCTGGCTTGCTGGGCTGCTTGGAGCTGGTGGGACTGTGAGCGTCGTCTATATCTT[T>C]GGTGAGGGACATATCCCTGTCCCCCAGTTTTGTTCCTTGGCCTCCCTGGTCCACTGTGGA-3'
Protein context (NP_001001563.2, residues 76-96): AGGTVSVVYI[Phe86=]GNNPVDENGA